The following is an entry in ClinVar:

NM_000138.5(FBN1):c.1328-15T>G

Gene: FBN1 (fibrillin 1; minus strand). Cytogenetic location: 15q21.1.
Variant type: single nucleotide variant.
Coding change: c.1328-15T>G on transcript NM_000138.5 (MANE Select); 15 bases into the intron before coding-DNA position 1328, T replaced by G.
Molecular consequence: intron variant.
Genome position (GRCh38, 1-based): chr15:48,515,542, A>C on the plus strand (T>G on the coding strand, the complement: FBN1 is on the minus strand). VCF-style: chr15-48515542-A-C. GRCh37 (hg19) VCF-style: chr15-48807739-A-C.
Identifiers: ClinVar variation 1643801 (VCV001643801.9), dbSNP rs2043793958, ClinGen allele CA2175532572.

ClinVar aggregate classification (germline): Likely benign. Review status: criteria provided, multiple submitters, no conflicts (2 of 4 stars). 3 submissions from 3 submitters: Likely benign (3). Last evaluated 2025-06-02.

Conditions:
Familial thoracic aortic aneurysm and aortic dissection (TAAD). Also called: Thoracic aortic aneurysms and dissections. Identifiers: Orphanet 91387, MedGen C4707243, MONDO:0019625.
Marfan syndrome (MFS). Also called: Marfan syndrome, classic; MARFAN SYNDROME, TYPE I; Marfan syndrome type 1; Marfan's syndrome; FBN1-Related Marfan Syndrome. Identifiers: Orphanet 284963, Orphanet 558, MedGen C0024796, MONDO:0007947, OMIM 154700.

Allele frequency attached by ClinVar (database versions not stated): TOPMed below 0.00001.
gnomAD v4.1: 2 of 1,613,812 alleles (0.00012%); highest among the groups gnomAD compares: Admixed American, 0.0033%; no homozygotes.

Submissions (3):

Labcorp Genetics (formerly Invitae), Labcorp
Classification: Likely benign for Marfan syndrome; Familial thoracic aortic aneurysm and aortic dissection. Last evaluated: 2025-06-02. Review status: criteria provided, single submitter. Criteria: Invitae Variant Classification Sherloc (09022015). Collection method: clinical testing. Allele origin: germline.

Color Diagnostics, LLC DBA Color Health
Classification: Likely benign for Familial thoracic aortic aneurysm and aortic dissection. Last evaluated: 2025-04-09. Review status: criteria provided, single submitter. Criteria: ACMG Guidelines, 2015. Collection method: clinical testing. Allele origin: germline.

Women's Health and Genetics/Laboratory Corporation of America, LabCorp
Classification: Likely benign. Last evaluated: 2025-04-07. Review status: criteria provided, single submitter. Criteria: LabCorp Variant Classification Summary - May 2015. Collection method: clinical testing. Allele origin: germline.
Comment: Variant summary: FBN1 c.1328-15T>G alters a non-conserved nucleotide located at a position not widely known to affect splicing. Consensus agreement among computation tools predict no significant impact on normal splicing. However, these predictions have yet to be confirmed by functional studies. The variant allele was found at a frequency of 1.2e-06 in 1606842 control chromosomes in the gnomAD database (v4.1 dataset). The available data on variant occurrences in the general population are insufficient to allow any conclusion about variant significance. To our knowledge, no occurrence of c.1328-15T>G in individuals affected with Marfan Syndrome and no experimental evidence demonstrating its impact on protein function have been reported. ClinVar contains an entry for this variant (Variation ID: 1643801). Based on the evidence outlined above, the variant was classified as likely benign.